The following is an entry in ClinVar:

NM_000382.3(ALDH3A2):c.364del (p.Pro121_Leu122insTer)

Gene: ALDH3A2 (aldehyde dehydrogenase 3 family member A2; plus strand). Cytogenetic location: 17p11.2.
Variant type: Deletion.
Coding change: c.364del on transcript NM_000382.3 (MANE Select); coding-DNA position 364, one base deleted (C; older notation c.364delC).
Protein change: p.Pro121_Leu122insTer.
Molecular consequence: nonsense. On other transcripts: 5 prime UTR variant (1).
Genome position (GRCh38, 1-based): chr17:19,651,757, C deleted. VCF-style (leftmost placement, unchanged base first): chr17-19651756-AC-A. GRCh37 (hg19) VCF-style: chr17-19555069-AC-A.
Other names: c.364del, p.Pro121_Leu122insTer (NM_001031806.2, NM_001369136.1, NM_001369137.2 and 3 more transcripts); c.-325del (NM_001369148.2).
Identifiers: ClinVar variation 556629 (VCV000556629.7), dbSNP rs2152326510, ClinGen allele CA658824176.

ClinVar aggregate classification (germline): Pathogenic. Review status: criteria provided, single submitter (1 of 4 stars). 2 submissions from 2 submitters: Pathogenic (1). 1 of the submissions does not count toward it. Last evaluated 2020-03-08.

Conditions:
Sjögren-Larsson syndrome (SLS). Also called: FALDH DEFICIENCY; FATTY ALCOHOL:NAD+ OXIDOREDUCTASE DEFICIENCY; FATTY ALDEHYDE DEHYDROGENASE DEFICIENCY; ICHTHYOSIS, SPASTIC NEUROLOGIC DISORDER, AND OLIGOPHRENIA. Identifiers: Orphanet 816, MedGen C0037231, MONDO:0010031, OMIM 270200.

Submissions (2):

Labcorp Genetics (formerly Invitae), Labcorp
Classification: Pathogenic. Last evaluated: 2020-03-08. Review status: criteria provided, single submitter. Criteria: Invitae Variant Classification Sherloc (09022015). Collection method: clinical testing. Allele origin: germline.
Comment: For these reasons, this variant has been classified as Pathogenic. Loss-of-function variants in ALDH3A2 are known to be pathogenic (PMID: 10577908, 10854114). This variant has not been reported in the literature in individuals with ALDH3A2-related conditions. ClinVar contains an entry for this variant (Variation ID: 556629). This variant is not present in population databases (ExAC no frequency). This sequence change creates a premature translational stop signal (p.Leu122*) in the ALDH3A2 gene. It is expected to result in an absent or disrupted protein product.

Counsyl
Classification: Likely pathogenic for Sjögren-Larsson syndrome. Last evaluated: 2018-02-12. Review status: no assertion criteria provided. Collection method: clinical testing. Allele origin: unknown. Not counted in ClinVar's aggregate classification.

Literature cited by the submitters: PubMed 10577908 (cited by Labcorp Genetics (formerly Invitae), Labcorp); PubMed 10854114 (cited by Labcorp Genetics (formerly Invitae), Labcorp).